The following is an entry in ClinVar:

NM_004380.3(CREBBP):c.5782C>T (p.Gln1928Ter)

Gene: CREBBP (CREB binding lysine acetyltransferase; minus strand). Cytogenetic location: 16p13.3.
Variant type: single nucleotide variant.
Coding change: c.5782C>T on transcript NM_004380.3 (MANE Select); coding-DNA position 5782, C replaced by T.
Protein change: p.Gln1928Ter; replaces glutamine 1928 with a stop codon.
Molecular consequence: nonsense.
Genome position (GRCh38, 1-based): chr16:3,729,265, G>A on the plus strand (C>T on the coding strand, the complement: CREBBP is on the minus strand). VCF-style: chr16-3729265-G-A. GRCh37 (hg19) VCF-style: chr16-3779266-G-A.
Other names: c.5668C>T, p.Gln1890Ter (NM_001079846.1); short protein forms Q1890*, Q1928*.
Identifiers: ClinVar variation 1451776 (VCV001451776.8), dbSNP rs2151308298, ClinGen allele CA394555530.

ClinVar aggregate classification (germline): Pathogenic (1 of 4 stars; one submission).

Conditions:
Rubinstein-Taybi syndrome (RSTS). Identifiers: Orphanet 783, MedGen C0035934, MONDO:0019188.

Submission:

Labcorp Genetics (formerly Invitae), Labcorp
Classification: Pathogenic for Rubinstein-Taybi syndrome. Last evaluated: 2021-03-02. Review status: criteria provided, single submitter. Criteria: Invitae Variant Classification Sherloc (09022015). Collection method: clinical testing. Allele origin: germline.
Comment: This sequence change creates a premature translational stop signal (p.Gln1928*) in the CREBBP gene. While this is not anticipated to result in nonsense mediated decay, it is expected to disrupt the last 515 amino acid(s) of the CREBBP protein. The frequency data for this variant in the population databases is considered unreliable, as metrics indicate insufficient coverage at this position in the ExAC database. This variant has not been reported in the literature in individuals with CREBBP-related conditions. This variant disrupts the C-terminus of the CREBBP protein. Other variant(s) that disrupt this region (p.Gln2135Leufs*9) have been determined to be pathogenic (Invitae). This suggests that variants that disrupt this region of the protein are likely to be causative of disease. For these reasons, this variant has been classified as Pathogenic.